The following is an entry in ClinVar:

NM_017654.4(SAMD9):c.1955T>A (p.Leu652Gln)

Gene: SAMD9 (sterile alpha motif domain containing 9; minus strand). Cytogenetic location: 7q21.2.
Variant type: single nucleotide variant.
Coding change: c.1955T>A on transcript NM_017654.4 (MANE Select); coding-DNA position 1955, T replaced by A.
Protein change: p.Leu652Gln; replaces leucine 652 with glutamine.
Molecular consequence: missense variant.
Genome position (GRCh38, 1-based): chr7:93,104,143, A>T on the plus strand (T>A on the coding strand, the complement: SAMD9 is on the minus strand). VCF-style: chr7-93104143-A-T. GRCh37 (hg19) VCF-style: chr7-92733456-A-T.
Other names: c.1955T>A, p.Leu652Gln (NM_001193307.2); short protein forms L652Q.
Identifiers: ClinVar variation 2663346 (VCV002663346.3), dbSNP rs149322312, ClinGen allele CA4342907.
Genomic context (GRCh38, chr7:93,104,143, plus strand): 5'-AATTTATTTTTGTCCTTCTCTAACAGTGTACCCTCACATTCATTTTCACAGATAATTTCC[A>T]GAGCAGTCATGATATCTTCTTCCTTTTTCAGAAGGACAGTCGATAAACCAATAGATGGCA-3'
Protein context (NP_060124.2, residues 642-662): LKKEEDIMTA[Leu652Gln]EIICENECEG

ClinVar aggregate classification (germline): Uncertain significance. Review status: criteria provided, multiple submitters, no conflicts (2 of 4 stars). 2 submissions from 2 submitters: Uncertain significance (2). Last evaluated 2025-08-09.

Conditions:
Inborn genetic diseases. Identifiers: MedGen C0950123, MeSH D030342.

Allele frequency attached by ClinVar (database versions not stated): TOPMed below 0.00001; gnomAD 0.00001; ExAC 0.00002; gnomAD exomes 0.00002; 1000 Genomes Project 30x 0.00016; 1000 Genomes Project 0.00020.

Submissions (2):

Ambry Genetics
Classification: Uncertain significance for Inborn genetic diseases. Last evaluated: 2025-08-09. Review status: criteria provided, single submitter. Criteria: Ambry Variant Classification Scheme 2023. Collection method: clinical testing. Allele origin: germline.

GeneDx
Classification: Uncertain significance. Last evaluated: 2023-05-07. Review status: criteria provided, single submitter. Criteria: GeneDx Variant Classification Process June 2021. Collection method: clinical testing. Allele origin: germline. Affected: yes.
Comment: In silico analysis supports that this missense variant has a deleterious effect on protein structure/function; Has not been previously published as pathogenic or benign to our knowledge